The following is an entry in ClinVar:

ClinVar aggregate classification (germline): Uncertain significance (1 of 4 stars; one submission).

Allele frequency attached by ClinVar (database versions not stated): gnomAD exomes below 0.00001.
gnomAD v4.1: 2 of 1,613,664 alleles (0.00012%); highest among the groups gnomAD compares: South Asian, 0.0011%; no homozygotes.

Submission:

Labcorp Genetics (formerly Invitae), Labcorp
Classification: Uncertain significance. Last evaluated: 2023-12-30. Review status: criteria provided, single submitter. Criteria: Invitae Variant Classification Sherloc (09022015). Collection method: clinical testing. Allele origin: germline.
Comment: This sequence change replaces arginine, which is basic and polar, with cysteine, which is neutral and slightly polar, at codon 534 of the NFKB1 protein (p.Arg534Cys). This variant is not present in population databases (gnomAD no frequency). This variant has not been reported in the literature in individuals affected with NFKB1-related conditions. Advanced modeling of protein sequence and biophysical properties (such as structural, functional, and spatial information, amino acid conservation, physicochemical variation, residue mobility, and thermodynamic stability) performed at Invitae indicates that this missense variant is not expected to disrupt NFKB1 protein function with a negative predictive value of 80%. In summary, the available evidence is currently insufficient to determine the role of this variant in disease. Therefore, it has been classified as a Variant of Uncertain Significance.

NM_003998.4(NFKB1):c.1600C>T (p.Arg534Cys)

Gene: NFKB1 (nuclear factor kappa B subunit 1; plus strand). Cytogenetic location: 4q24.
Variant type: single nucleotide variant.
Coding change: c.1600C>T on transcript NM_003998.4 (MANE Select); coding-DNA position 1600, C replaced by T.
Protein change: p.Arg534Cys; replaces arginine 534 with cysteine.
Molecular consequence: missense variant.
Genome position (GRCh38, 1-based): chr4:102,597,624, C>T. VCF-style: chr4-102597624-C-T. GRCh37 (hg19) VCF-style: chr4-103518781-C-T.
Other names: c.1597C>T, p.Arg533Cys (NM_001319226.2, NM_001382627.1, NM_001165412.2); c.1600C>T, p.Arg534Cys (NM_001382625.1, NM_001382626.1); c.1558C>T, p.Arg520Cys (NM_001382628.1); short protein forms R534C, R520C, R533C.
Identifiers: ClinVar variation 2870519 (VCV002870519.3), dbSNP rs2476504267, ClinGen allele CA357751460.